The following is an entry in ClinVar:

ClinVar aggregate classification (germline): Uncertain significance (1 of 4 stars; one submission).

Allele frequency attached by ClinVar (database versions not stated): gnomAD exomes below 0.00001; ExAC 0.00001.
gnomAD v4.1: 2 of 1,593,672 alleles (0.00013%); highest among the groups gnomAD compares: Admixed American, 0.0034%; no homozygotes.

Submission:

Labcorp Genetics (formerly Invitae), Labcorp
Classification: Uncertain significance. Last evaluated: 2026-01-19. Review status: criteria provided, single submitter. Criteria: Invitae Variant Classification Sherloc (09022015). Collection method: clinical testing. Allele origin: germline.
Comment: This sequence change replaces serine, which is neutral and polar, with threonine, which is neutral and polar, at codon 604 of the CEP135 protein (p.Ser604Thr). This variant is present in population databases (rs758861444, gnomAD 0.006%). This variant has not been reported in the literature in individuals affected with CEP135-related conditions. ClinVar contains an entry for this variant (Variation ID: 1962945). An algorithm developed to predict the effect of missense changes on protein structure and function (PolyPhen-2) suggests that this variant is likely to be tolerated. In summary, the available evidence is currently insufficient to determine the role of this variant in disease. Therefore, it has been classified as a Variant of Uncertain Significance.

NM_025009.5(CEP135):c.1810T>A (p.Ser604Thr)

Gene: CEP135 (centrosomal protein 135; plus strand). Cytogenetic location: 4q12.
Variant type: single nucleotide variant.
Coding change: c.1810T>A on transcript NM_025009.5 (MANE Select); coding-DNA position 1810, T replaced by A.
Protein change: p.Ser604Thr; replaces serine 604 with threonine.
Molecular consequence: missense variant.
Genome position (GRCh38, 1-based): chr4:55,985,311, T>A. VCF-style: chr4-55985311-T-A. GRCh37 (hg19) VCF-style: chr4-56851477-T-A.
Other names: short protein forms S604T.
Identifiers: ClinVar variation 1962945 (VCV001962945.4), dbSNP rs758861444, ClinGen allele CA2927973.